The following is an entry in ClinVar:

ClinVar aggregate classification (germline): Uncertain significance (1 of 4 stars; one submission).

Conditions:
Cryptosporidiosis-chronic cholangitis-liver disease syndrome. Also called: Immunodeficiency type 56; IL21R immunodeficiency. Identifiers: Orphanet 357329, MedGen C3554687, MONDO:0014082, OMIM 615207.

gnomAD v4.1: 20 of 1,613,732 alleles (0.0012%); highest among the groups gnomAD compares: Admixed American, 0.022%; no homozygotes.

Submission:

Labcorp Genetics (formerly Invitae), Labcorp
Classification: Uncertain significance for Cryptosporidiosis-chronic cholangitis-liver disease syndrome. Last evaluated: 2021-09-21. Review status: criteria provided, single submitter. Criteria: Invitae Variant Classification Sherloc (09022015). Collection method: clinical testing. Allele origin: germline.
Comment: In summary, the available evidence is currently insufficient to determine the role of this variant in disease. Therefore, it has been classified as a Variant of Uncertain Significance. Algorithms developed to predict the effect of sequence changes on RNA splicing suggest that this variant may create or strengthen a splice site. Algorithms developed to predict the effect of missense changes on protein structure and function (SIFT, PolyPhen-2, Align-GVGD) all suggest that this variant is likely to be tolerated. This variant has not been reported in the literature in individuals affected with IL21R-related conditions. This variant is present in population databases (rs369667782, ExAC 0.002%). This sequence change replaces methionine with arginine at codon 278 of the IL21R protein (p.Met278Arg). The methionine residue is weakly conserved and there is a moderate physicochemical difference between methionine and arginine.

NM_181078.3(IL21R):c.833T>G (p.Met278Arg)

Gene: IL21R (interleukin 21 receptor; plus strand). Cytogenetic location: 16p12.1.
Variant type: single nucleotide variant.
Coding change: c.833T>G on transcript NM_181078.3 (MANE Select); coding-DNA position 833, T replaced by G.
Protein change: p.Met278Arg; replaces methionine 278 with arginine.
Molecular consequence: missense variant.
Genome position (GRCh38, 1-based): chr16:27,446,054, T>G. VCF-style: chr16-27446054-T-G. GRCh37 (hg19) VCF-style: chr16-27457375-T-G.
Other names: c.833T>G, p.Met278Arg (NM_021798.4); c.899T>G, p.Met300Arg (NM_181079.5); short protein forms M300R, M278R.
Identifiers: ClinVar variation 1445344 (VCV001445344.6), dbSNP rs369667782, ClinGen allele CA7975086.